The following is an entry in ClinVar:

ClinVar aggregate classification (germline): Pathogenic (1 of 4 stars; one submission).

Conditions:
Familial adenomatous polyposis 1 (FAP1). Also called: POLYPOSIS, ADENOMATOUS INTESTINAL; FAMILIAL ADENOMATOUS POLYPOSIS 1, ATTENUATED. Identifiers: MedGen C2713442, MONDO:0021056, OMIM 175100. Disease mechanism: loss of function.

Submission:

Labcorp Genetics (formerly Invitae), Labcorp
Classification: Pathogenic for Familial adenomatous polyposis 1. Last evaluated: 2022-04-15. Review status: criteria provided, single submitter. Criteria: Invitae Variant Classification Sherloc (09022015). Collection method: clinical testing. Allele origin: germline.
Comment: For these reasons, this variant has been classified as Pathogenic. A different truncation (p.Tyr2645Lysfs*14) that lies downstream of this variant has been determined to be pathogenic (PMID: 9824584, 1316610, 27081525, 8381579, 22135120, Invitae). This suggests that deletion of this region of the APC protein is causative of disease. This variant is expected to disrupt the EB1 and HDLG binding sites, which mediate interactions with the cytoskeleton (PMID: 15311282, 17293347). While functional studies have not been performed to directly test the effect on APC protein function, this suggests that disruption of the C-terminal portion of the protein is functionally important. This variant has not been reported in the literature in individuals affected with APC-related conditions. This variant is not present in population databases (gnomAD no frequency). This sequence change creates a premature translational stop signal (p.Lys1462Glufs*10) in the APC gene. While this is not anticipated to result in nonsense mediated decay, it is expected to disrupt the last 1382 amino acid(s) of the APC protein.

Literature cited by the submitters: PubMed 9824584; PubMed 1316610; PubMed 27081525; PubMed 8381579; PubMed 22135120; PubMed 15311282; PubMed 17293347.

NM_000038.6(APC):c.4384_4387del (p.Lys1462fs)

Gene: APC (APC regulator of Wnt signaling pathway; plus strand). Cytogenetic location: 5q22.2.
Variant type: Deletion.
Coding change: c.4384_4387del on transcript NM_000038.6 (MANE Select); coding-DNA positions 4384 to 4387, 4 bases deleted (AAGA; older notation c.4384_4387delAAGA).
Protein change: p.Lys1462fs; shifts the reading frame from lysine 1462.
Molecular consequence: frameshift variant.
Genome position (GRCh38, 1-based): chr5:112,839,978-112,839,981, AAGA deleted; deleting any 4 consecutive bases within chr5:112,839,977-112,839,981 gives the same sequence; the c. name uses the placement nearest the transcript's 3' end. VCF-style (leftmost placement, unchanged base first): chr5-112839976-AAAAG-A. GRCh37 (hg19) VCF-style: chr5-112175673-AAAAG-A.
Other names: c.4384_4387del, p.Lys1462fs (NM_001127510.3, NM_001354895.2); c.4330_4333del, p.Lys1444fs (NM_001127511.3); c.4438_4441del, p.Lys1480fs (NM_001354896.2); c.4414_4417del, p.Lys1472fs (NM_001354897.2); c.4309_4312del, p.Lys1437fs (NM_001354898.2); c.4300_4303del, p.Lys1434fs (NM_001354899.2); c.4261_4264del, p.Lys1421fs (NM_001354900.2); c.4207_4210del, p.Lys1403fs (NM_001354901.2); and 16 more; short protein forms K1361fs, K1403fs, K1421fs, K1480fs, K1302fs, K1434fs, K1179fs, K1336fs.
Identifiers: ClinVar variation 2180405 (VCV002180405.4), dbSNP rs2533570785, ClinGen allele CA645543862.